The following is an entry in ClinVar:

ClinVar aggregate classification (germline): Conflicting classifications of pathogenicity. Review status: criteria provided, conflicting classifications (1 of 4 stars). 5 submissions from 5 submitters: Pathogenic (3); Likely pathogenic (1); Uncertain significance (1). Last evaluated 2026-06-17.

Conditions:
Benign familial hematuria. Also called: thin basement membrane disease. Identifiers: MedGen C0241908, MONDO:0957317.
Autosomal dominant Alport syndrome (ATS3A). Also called: ALPORT SYNDROME 3A, AUTOSOMAL DOMINANT; Alport syndrome dominant type; Renal failure and sensorineural hearing loss. Identifiers: Orphanet 63, Orphanet 88918, MedGen C5882663, MONDO:0007086, OMIM 104200.
COL4A3-related disorder. Also called: COL4A3-related condition; COL4A3-Related Disorders.
Hematuria, benign familial, 2 (BFH2). Identifiers: MedGen C5830421, MONDO:0958186, OMIM 620320.
Alport syndrome 3b, autosomal recessive. Identifiers: MedGen C5882699, MONDO:0957811, OMIM 620536.

Allele frequency attached by ClinVar (database versions not stated): gnomAD exomes below 0.00001; ExAC 0.00001.
gnomAD v4.1: 1 of 1,609,944 alleles (0.000062%); highest among the groups gnomAD compares: South Asian, 0.0011%; no homozygotes.

Submissions (5):

MVZ Medizinische Genetik Mainz
Classification: Pathogenic for Autosomal dominant Alport syndrome. Last evaluated: 2026-06-17. Review status: criteria provided, single submitter. Criteria: UK Practice Guidelines For Variant Classification V4 01 2020. Collection method: clinical testing. Allele origin: germline. Inheritance: Autosomal dominant inheritance. Affected: yes. Observed: 1 variant allele.
Comment: ACMG Criteria: PVS1,PP1_MOD,PS4_SUP,PP4

Fulgent Genetics
Classification: Pathogenic for Autosomal dominant Alport syndrome; Hematuria, benign familial, 2; Alport syndrome 3b, autosomal recessive. Last evaluated: 2024-06-07. Review status: criteria provided, single submitter. Criteria: ACMG Guidelines, 2015. Collection method: clinical testing. Allele origin: germline.

Blueprint Genetics
Classification: Likely pathogenic for COL4A3-related disorders. Last evaluated: 2024-01-16. Review status: criteria provided, single submitter. Criteria: ACMG Guidelines, 2015. Collection method: clinical testing. Allele origin: germline. Affected: yes. Observed: 4 variant alleles.

Labcorp Genetics (formerly Invitae), Labcorp
Classification: Pathogenic. Last evaluated: 2023-09-11. Review status: criteria provided, single submitter. Criteria: Invitae Variant Classification Sherloc (09022015). Collection method: clinical testing. Allele origin: germline.
Comment: For these reasons, this variant has been classified as Pathogenic. Variants that disrupt the consensus splice site are a relatively common cause of aberrant splicing (PMID: 17576681, 9536098). Algorithms developed to predict the effect of sequence changes on RNA splicing suggest that this variant may disrupt the consensus splice site. This variant has been observed in individual(s) with Alport syndrome (PMID: 34888854). It has also been observed to segregate with disease in related individuals. The frequency data for this variant in the population databases is considered unreliable, as metrics indicate poor data quality at this position in the gnomAD database. This sequence change falls in intron 20 of the COL4A3 gene. It does not directly change the encoded amino acid sequence of the COL4A3 protein. It affects a nucleotide within the consensus splice site.

Cambridge Genomics Laboratory, East Genomic Laboratory Hub, NHS Genomic Medicine Service
Classification: Uncertain significance for Benign familial hematuria. Last evaluated: 2020-01-21. Review status: criteria provided, single submitter. Criteria: ACGS Best Practice Guidelines for Variant Classification in Rare Disease 2020. Collection method: clinical testing. Allele origin: germline. Affected: yes. Observed: 1 variant allele.

Literature cited by the submitters: PubMed 17576681 (cited by Labcorp Genetics (formerly Invitae), Labcorp); PubMed 9536098 (cited by Labcorp Genetics (formerly Invitae), Labcorp); PubMed 34888854 (cited by Labcorp Genetics (formerly Invitae), Labcorp).

NM_000091.5(COL4A3):c.1150+5G>A

Genes: COL4A3 (collagen type IV alpha 3 chain; plus strand), MFF-DT (MFF divergent transcript; minus strand). Cytogenetic location: 2q36.3.
Variant type: single nucleotide variant.
Coding change: c.1150+5G>A on transcript NM_000091.5 (MANE Select); 5 bases into the intron after coding-DNA position 1150, G replaced by A.
Molecular consequence: intron variant.
Genome position (GRCh38, 1-based): chr2:227,261,122, G>A. VCF-style: chr2-227261122-G-A. GRCh37 (hg19) VCF-style: chr2-228125838-G-A.
Identifiers: ClinVar variation 3010500 (VCV003010500.7), dbSNP rs751399780, ClinGen allele CA2146565.